The following is an entry in ClinVar:

NM_025074.7(FRAS1):c.4251C>T (p.Gly1417=)

Gene: FRAS1 (Fraser extracellular matrix complex subunit 1; plus strand). Cytogenetic location: 4q21.21.
Variant type: single nucleotide variant.
Coding change: c.4251C>T on transcript NM_025074.7 (MANE Select); coding-DNA position 4251, C replaced by T.
Protein change: p.Gly1417=; no amino-acid change (glycine 1417 retained).
Molecular consequence: synonymous variant.
Genome position (GRCh38, 1-based): chr4:78,407,784, C>T. VCF-style: chr4-78407784-C-T. GRCh37 (hg19) VCF-style: chr4-79328938-C-T.
Other names: c.4251C>T, p.Gly1417= (NM_001166133.2).
Identifiers: ClinVar variation 3590991 (VCV003590991.3).
Genomic context (GRCh38, chr4:78,407,784, plus strand): 5'-GCCTGATGGGAGGACAGCTACCCCCACCAGCACCTTCACCCAGCAGGACATCAATGAAGG[C>T]ATCGTATGGTACAGGCACTCAGGAGCCCCAGCCCAGAGCGACTCCTTCCGCTTCGAGGTA-3'
Protein context (NP_079350.5, residues 1407-1427): STFTQQDINE[Gly1417=]IVWYRHSGAP

ClinVar aggregate classification (germline): Uncertain significance. Review status: criteria provided, multiple submitters, no conflicts (2 of 4 stars). 2 submissions from 2 submitters: Uncertain significance (2). Last evaluated 2024-05-22.

Conditions:
Fraser syndrome 1 (FRASRS1). Also called: CRYPTOPHTHALMOS WITH OTHER MALFORMATIONS. Identifiers: Orphanet 2052, MedGen C4551480, MONDO:0054737, OMIM 219000.

gnomAD v4.1: 4 of 1,613,790 alleles (0.00025%); highest among the groups gnomAD compares: African/African-American, 0.0013%; no homozygotes.

Submissions (2):

Labcorp Genetics (formerly Invitae), Labcorp
Classification: Uncertain significance. Last evaluated: 2024-05-22. Review status: criteria provided, single submitter. Criteria: Invitae Variant Classification Sherloc (09022015). Collection method: clinical testing. Allele origin: germline.
Comment: This sequence change affects codon 1417 of the FRAS1 mRNA. It is a 'silent' change, meaning that it does not change the encoded amino acid sequence of the FRAS1 protein. The frequency data for this variant in the population databases is considered unreliable, as metrics indicate poor data quality at this position in the gnomAD database. This variant has not been reported in the literature in individuals affected with FRAS1-related conditions. Algorithms developed to predict the effect of sequence changes on RNA splicing suggest that this variant may disrupt the consensus splice site. In summary, the available evidence is currently insufficient to determine the role of this variant in disease. Therefore, it has been classified as a Variant of Uncertain Significance.

Fulgent Genetics
Classification: Uncertain significance for Fraser syndrome 1. Last evaluated: 2024-04-26. Review status: criteria provided, single submitter. Criteria: ACMG Guidelines, 2015. Collection method: clinical testing. Allele origin: germline.